The following is an entry in ClinVar:

NM_005859.5(PURA):c.235C>T (p.Gln79Ter)

Gene: PURA (purine rich element binding protein A; plus strand). Cytogenetic location: 5q31.3.
Variant type: single nucleotide variant.
Coding change: c.235C>T on transcript NM_005859.5 (MANE Select); coding-DNA position 235, C replaced by T.
Protein change: p.Gln79Ter; replaces glutamine 79 with a stop codon.
Molecular consequence: nonsense.
Genome position (GRCh38, 1-based): chr5:140,114,416, C>T. VCF-style: chr5-140114416-C-T. GRCh37 (hg19) VCF-style: chr5-139494001-C-T.
Other names: short protein forms Q79*.
Identifiers: ClinVar variation 1691853 (VCV001691853.1), dbSNP rs2126748843, ClinGen allele CA361490250.

ClinVar aggregate classification (germline): Pathogenic (1 of 4 stars; one submission).

Conditions:
PURA-related severe neonatal hypotonia-seizures-encephalopathy syndrome (NEDRIHF). Also called: NEURODEVELOPMENTAL DISORDER WITH NEONATAL RESPIRATORY INSUFFICIENCY, HYPOTONIA, AND FEEDING DIFFICULTIES; PURA-Related Neurodevelopmental Disorders. Identifiers: Orphanet 438213, Orphanet 438216, MedGen C4015357, MONDO:1060108, OMIM 616158, MONDO:0018580.

Submission:

Institute of Human Genetics, University of Leipzig Medical Center
Classification: Pathogenic for PURA-related severe neonatal hypotonia-seizures-encephalopathy syndrome. Last evaluated: 2022-05-12. Review status: criteria provided, single submitter. Criteria: ACMG Guidelines, 2015. Collection method: clinical testing. Allele origin: de novo. Affected: yes.
Comment: This variant was identified as de novo (maternity and paternity confirmed)._x000D_ Criteria applied: PVS1_STR, PS2, PS4_SUP